The following is an entry in ClinVar:

NM_033380.3(COL4A5):c.2567del (p.Pro856fs)

Gene: COL4A5 (collagen type IV alpha 5 chain; plus strand). Cytogenetic location: Xq22.3.
Variant type: Deletion.
Coding change: c.2567del on transcript NM_033380.3 (MANE Select); coding-DNA position 2567, one base deleted (C; older notation c.2567delC).
Protein change: p.Pro856fs; shifts the reading frame from proline 856.
Molecular consequence: frameshift variant.
Genome position (GRCh38, 1-based): chrX:108,620,316, C deleted; the last of 2 consecutive C bases (chrX:108,620,315-108,620,316); deleting either gives the same sequence. VCF-style (leftmost placement, unchanged base first): chrX-108620314-TC-T. GRCh37 (hg19) VCF-style: chrX-107863544-TC-T.
Other names: c.2567del, p.Pro856fs (NM_000495.5); short protein forms P856fs.
Identifiers: ClinVar variation 2681733 (VCV002681733.2), dbSNP rs2524395686.

ClinVar aggregate classification (germline): Pathogenic (1 of 4 stars; one submission).

Conditions:
X-linked Alport syndrome (ATS1). Also called: NEPHROPATHY AND DEAFNESS, X-LINKED; COL4A5-Related Nephropathy. Identifiers: Orphanet 63, Orphanet 88917, MedGen C4746986, MONDO:0010520, OMIM 301050.

Submission:

Precision Medicine Center, Zhengzhou University
Classification: Pathogenic for X-linked Alport syndrome. Last evaluated: 2023-12-01. Review status: criteria provided, single submitter. Criteria: ACMG Guidelines, 2015. Collection method: clinical testing. Allele origin: maternal. Affected: yes.
Comment: PVS1,PM2_p,PP4

Literature cited by the submitters: PubMed 30577881.